The following is an entry in ClinVar:

NM_022124.6(CDH23):c.3579+1G>A

Genes: C10orf105 (chromosome 10 open reading frame 105; minus strand), CDH23 (cadherin related 23; plus strand). Cytogenetic location: 10q22.1.
Variant type: single nucleotide variant.
Coding change: c.3579+1G>A on transcript NM_022124.6 (MANE Select); the canonical splice donor site of the intron after coding-DNA position 3579, G replaced by A.
Molecular consequence: splice donor variant. On other transcripts: intron variant (1).
Genome position (GRCh38, 1-based): chr10:71,725,521, G>A. VCF-style: chr10-71725521-G-A. GRCh37 (hg19) VCF-style: chr10-73485278-G-A.
Other names: c.3579+1G>A (NM_001171930.2); c.-5-9179C>T (NM_001168390.2).
Identifiers: ClinVar variation 627436 (VCV000627436.7), dbSNP rs1564759653, ClinGen allele CA377153118.

ClinVar aggregate classification (germline): Pathogenic. Review status: criteria provided, multiple submitters, no conflicts (2 of 4 stars). 3 submissions from 3 submitters: Pathogenic (2). 1 of the submissions does not count toward it. Last evaluated 2023-03-08.

Conditions:
Usher syndrome type 1D (USH1D). Also called: USHER SYNDROME, TYPE ID. Identifiers: Orphanet 231169, Orphanet 886, MedGen C1832845, MONDO:0010984, OMIM 601067.
Autosomal recessive nonsyndromic hearing loss 12. Also called: DEAFNESS, AUTOSOMAL RECESSIVE 12. Identifiers: Orphanet 90636, MedGen C1832394, MONDO:0011067, OMIM 601386.

Submissions (3):

Labcorp Genetics (formerly Invitae), Labcorp
Classification: Pathogenic. Last evaluated: 2023-03-08. Review status: criteria provided, single submitter. Criteria: Invitae Variant Classification Sherloc (09022015). Collection method: clinical testing. Allele origin: germline.
Comment: Algorithms developed to predict the effect of sequence changes on RNA splicing suggest that this variant may disrupt the consensus splice site. For these reasons, this variant has been classified as Pathogenic. This sequence change affects a donor splice site in intron 30 of the CDH23 gene. It is expected to disrupt RNA splicing. Variants that disrupt the donor or acceptor splice site typically lead to a loss of protein function (PMID: 16199547), and loss-of-function variants in CDH23 are known to be pathogenic (PMID: 11138009, 21940737). This variant is not present in population databases (gnomAD no frequency). Disruption of this splice site has been observed in individuals with Usher syndrome (PMID: 31541171; Invitae). ClinVar contains an entry for this variant (Variation ID: 627436).

Kariminejad - Najmabadi Pathology & Genetics Center
Classification: Pathogenic for Usher syndrome type 1D. Review status: criteria provided, single submitter. Criteria: ACMG Guidelines, 2015. Collection method: clinical testing. Allele origin: germline. Affected: no.

Genetic Testing Center for Deafness, Department of Otolaryngology Head & Neck Surgery, Institute of Otolaryngology, Chinese PLA General Hospital
Classification: Pathogenic for Autosomal recessive nonsyndromic hearing loss 12. Last evaluated: 2019-02-26. Review status: no assertion criteria provided. Collection method: case-control. Allele origin: inherited. Affected: yes. Observed: 1 variant allele. Not counted in ClinVar's aggregate classification.

Literature cited by the submitters: PubMed 16199547 (cited by Labcorp Genetics (formerly Invitae), Labcorp); PubMed 11138009 (cited by Labcorp Genetics (formerly Invitae), Labcorp); PubMed 21940737 (cited by Labcorp Genetics (formerly Invitae), Labcorp); PubMed 31541171 (cited by Labcorp Genetics (formerly Invitae), Labcorp).